The following is an entry in ClinVar:

NM_001354604.2(MITF):c.1210_1219dup (p.Ile407fs)

Gene: MITF (melanocyte inducing transcription factor; plus strand). Cytogenetic location: 3p13.
Variant type: Duplication.
Coding change: c.1210_1219dup on transcript NM_001354604.2 (MANE Select); coding-DNA positions 1210 to 1219, 10 bases duplicated (CTTTCCCTTA; older notation c.1210_1219dupCTTTCCCTTA).
Protein change: p.Ile407fs; shifts the reading frame from isoleucine 407.
Molecular consequence: frameshift variant.
Genome position (GRCh38, 1-based): chr3:69,964,877-69,964,886, CTTTCCCTTA duplicated; duplicating any 10 consecutive bases within chr3:69,964,876-69,964,886 gives the same sequence; the c. name uses the placement nearest the transcript's 3' end. VCF-style (leftmost placement, unchanged base first): chr3-69964875-G-GACTTTCCCTT. GRCh37 (hg19) VCF-style: chr3-70014026-G-GACTTTCCCTT.
Other names: c.889_898dup, p.Ile300fs (NM_000248.4); c.1036_1045dup, p.Ile349fs (NM_001184967.2, NM_001354608.2); c.1207_1216dup, p.Ile406fs (NM_001354605.2); c.1189_1198dup, p.Ile400fs (NM_001354606.2, NM_006722.3); c.1141_1150dup, p.Ile384fs (NM_001354607.2); c.871_880dup, p.Ile294fs (NM_198158.3); c.1192_1201dup, p.Ile401fs (NM_198159.3); c.1144_1153dup, p.Ile385fs (NM_198177.3); and 1 more; short protein forms I238fs, I294fs, I300fs, I349fs, I384fs, I385fs, I400fs, I401fs.
Identifiers: ClinVar variation 3601279 (VCV003601279.1).

ClinVar aggregate classification (germline): Pathogenic (1 of 4 stars; one submission).

Conditions:
Waardenburg syndrome type 2A (WS2A). Also called: WAARDENBURG SYNDROME WITHOUT DYSTOPIA CANTHORUM. Identifiers: Orphanet 3440, MedGen C1860339, MONDO:0008671, OMIM 193510.

Submission:

Institute of Rare Diseases, West China Hospital, Sichuan University
Classification: Pathogenic for Waardenburg syndrome type 2A. Last evaluated: 2025-01-09. Review status: criteria provided, single submitter. Criteria: ClinGen HL ACMG Specifications v1. Collection method: research. Allele origin: germline. Affected: yes.
Comment: PVS1;PS2;PM2_Supporting